The following is an entry in ClinVar:

NM_007055.4(POLR3A):c.2701A>T (p.Ile901Phe)

Gene: POLR3A (RNA polymerase III subunit A; minus strand). Cytogenetic location: 10q22.3.
Variant type: single nucleotide variant.
Coding change: c.2701A>T on transcript NM_007055.4 (MANE Select); coding-DNA position 2701, A replaced by T.
Protein change: p.Ile901Phe; replaces isoleucine 901 with phenylalanine.
Molecular consequence: missense variant.
Genome position (GRCh38, 1-based): chr10:77,993,283, T>A on the plus strand (A>T on the coding strand, the complement: POLR3A is on the minus strand). VCF-style: chr10-77993283-T-A. GRCh37 (hg19) VCF-style: chr10-79753041-T-A.
Other names: short protein forms I901F.
Identifiers: ClinVar variation 4085596 (VCV004085596.8).

ClinVar aggregate classification (germline): Uncertain significance (1 of 4 stars; one submission).

Submission:

CeGaT Center for Human Genetics Tuebingen
Classification: Uncertain significance. Last evaluated: 2025-07-01. Review status: criteria provided, single submitter. Criteria: CeGaT Center For Human Genetics Tuebingen Variant Classification Criteria Version 2. Collection method: clinical testing. Allele origin: germline. Affected: yes. Observed: 1 variant allele.
Comment: POLR3A: PM2